The following is an entry in ClinVar:

ClinVar aggregate classification (germline): Uncertain significance. Review status: criteria provided, multiple submitters, no conflicts (2 of 4 stars). 2 submissions from 2 submitters: Uncertain significance (2). Last evaluated 2022-11-01.

Conditions:
Cardiovascular phenotype. Identifiers: MedGen CN230736.

Allele frequency attached by ClinVar (database versions not stated): TOPMed 0.00003.

Submissions (2):

Ambry Genetics
Classification: Uncertain significance for Cardiovascular phenotype. Last evaluated: 2022-11-01. Review status: criteria provided, single submitter. Criteria: Ambry Variant Classification Scheme 2023. Collection method: clinical testing. Allele origin: germline.
Comment: The p.E22* variant (also known as c.64G>T), located in coding exon 2 of the MYL2 gene, results from a G to T substitution at nucleotide position 64. This changes the amino acid from a glutamic acid to a stop codon within coding exon 2. The predicted stop codon occurs in the 5&rsquo; end of theMYL2 gene. Premature termination codons in the 5&rsquo; end of a gene have been reported to escape nonsense-mediated mRNAdecay and/or lead to re-initiation (Rivas et al. Science. 2015 May 8;348(6235):666-9; Lindeboom et al. Nat Genet. 2016 Oct;48(10):1112-8; Rhee et al. Sci Rep. 2017 May 10;7(1):1653). Direct evidence for this alteration is unavailable, however premature termination codons are typically deleterious in nature. This variant has been reported in one participant from the Jackson Heart Study cohort, whose echocardiogram values were not indicative of cardiac disease at the time of evaluation (Bick AG et al. Am J Hum Genet, 2012 Sep;91:513-9). Although biallelic loss of function alterations in MYL2 have been associated with autosomal recessive MYL2-related myofibrillar myopathy with cardiomyopathy, haploinsufficiency for MYL2 has not been clearly established as a mechanism of disease for autosomal dominant MYL2-related cardiomyopathy. Since supporting evidence is limited at this time, the clinical significance of this alteration remains unclear.

GeneDx
Classification: Uncertain significance. Last evaluated: 2014-03-05. Review status: criteria provided, single submitter. Criteria: GeneDx Variant Classification (06012015). Collection method: clinical testing. Allele origin: germline. Affected: yes.
Comment: p.Glu22Stop (GAA>TAA): c.64 G>T in exon 2 of the MYL2 gene (NM_000432.3). The Glu22Stop mutation in the MYL2 gene has been reported in one individual who was part of the Framingham and Jackson Heart Study cohort (Bick et al., 2012). This individual had left ventricular wall thickness that measured within in the normal range (Bick et al., 2012). Glu22 stop may cause loss of normal protein function either by protein truncation or nonsense-mediated mRNA decay. However, no other nonsense mutations in the MYL2 gene have been reported in association with HCM. Therefore, based on the currently available information, it is unclear whether this variant is a pathogenic mutation or a rare benign variant. The variant is found in HCM panel(s).

Literature cited by the submitters: PubMed 22958901 (cited by Ambry Genetics).

NM_000432.4(MYL2):c.64G>T (p.Glu22Ter)

Genes: MYL2 (myosin light chain 2; minus strand), LOC114827850 (VISTA enhancer hs2149; plus strand). Cytogenetic location: 12q24.11.
Variant type: single nucleotide variant.
Coding change: c.64G>T on transcript NM_000432.4 (MANE Select); coding-DNA position 64, G replaced by T.
Protein change: p.Glu22Ter; replaces glutamic acid 22 with a stop codon.
Molecular consequence: nonsense.
Genome position (GRCh38, 1-based): chr12:110,919,133, C>A on the plus strand (G>T on the coding strand, the complement: MYL2 is on the minus strand). VCF-style: chr12-110919133-C-A. GRCh37 (hg19) VCF-style: chr12-111356937-C-A.
Other names: p.E22*:GAA>TAA; short protein forms E22*.
Identifiers: ClinVar variation 181426 (VCV000181426.5), dbSNP rs104894368, ClinGen allele CA010523.
Genomic context (GRCh38, chr12:110,919,133, plus strand): 5'-TCCAGGCGGATGATTCAATAGCTGCACCCACCTCCTTAAATTCCTGGATTTGGGTCTGTT[C>A]GAACATGGAGAACACGTTGGAGTTGGCGCCCCCGGCTCTCTTCTTTGCTTTCTTAGGTGC-3'